The following is an entry in ClinVar:

NM_000257.4(MYH7):c.976G>T (p.Ala326Ser)

Gene: MYH7 (myosin heavy chain 7; minus strand). Cytogenetic location: 14q11.2.
Variant type: single nucleotide variant.
Coding change: c.976G>T on transcript NM_000257.4 (MANE Select); coding-DNA position 976, G replaced by T.
Protein change: p.Ala326Ser; replaces alanine 326 with serine.
Molecular consequence: missense variant.
Genome position (GRCh38, 1-based): chr14:23,430,583, C>A on the plus strand (G>T on the coding strand, the complement: MYH7 is on the minus strand). VCF-style: chr14-23430583-C-A. GRCh37 (hg19) VCF-style: chr14-23899792-C-A.
Other names: c.976G>T, p.Ala326Ser (NM_001407004.1); short protein forms A326S.
Identifiers: ClinVar variation 1985475 (VCV001985475.4), dbSNP rs372731424, ClinGen allele CA389051637.

ClinVar aggregate classification (germline): Uncertain significance (1 of 4 stars; one submission).

Conditions:
Hypertrophic cardiomyopathy. Also called: HYPERTROPHIC MYOCARDIOPATHY. Identifiers: Orphanet 217569, MedGen C0007194, MeSH D002312, MONDO:0005045, HP:0001639.

gnomAD v4.1: 6 of 1,613,946 alleles (0.00037%); highest among the groups gnomAD compares: Non-Finnish European, 0.00051%; no homozygotes.

Submission:

Labcorp Genetics (formerly Invitae), Labcorp
Classification: Uncertain significance for Hypertrophic cardiomyopathy. Last evaluated: 2022-08-04. Review status: criteria provided, single submitter. Criteria: Invitae Variant Classification Sherloc (09022015). Collection method: clinical testing. Allele origin: germline.
Comment: In summary, the available evidence is currently insufficient to determine the role of this variant in disease. Therefore, it has been classified as a Variant of Uncertain Significance. This variant is found within a region of MYH7 between codons 181 and 937 that contains the majority of the myosin head domain. Missense variants in this region have been shown to be significantly overrepresented in individuals with hypertrophic cardiomyopathy (PMID: 27532257). Algorithms developed to predict the effect of missense changes on protein structure and function output the following: SIFT: "Tolerated"; PolyPhen-2: "Benign"; Align-GVGD: "Class C0". The serine amino acid residue is found in multiple mammalian species, which suggests that this missense change does not adversely affect protein function. This variant has not been reported in the literature in individuals affected with MYH7-related conditions. This variant is not present in population databases (gnomAD no frequency). This sequence change replaces alanine, which is neutral and non-polar, with serine, which is neutral and polar, at codon 326 of the MYH7 protein (p.Ala326Ser).

Literature cited by the submitters: PubMed 27532257.